The following is an entry in ClinVar:

ClinVar aggregate classification (germline): Likely benign. Review status: criteria provided, multiple submitters, no conflicts (2 of 4 stars). 5 submissions from 5 submitters: Likely benign (5). Last evaluated 2026-01-21.

Conditions:
Hereditary cancer-predisposing syndrome. Also called: Tumor predisposition; Neoplastic Syndromes, Hereditary; Hereditary Cancer Syndrome; Hereditary neoplastic syndrome. Identifiers: Orphanet 140162, MedGen C0027672, MeSH D009386, MONDO:0015356.

Allele frequency attached by ClinVar (database versions not stated): gnomAD exomes 0.00001 and 0.00002; ExAC 0.00002; gnomAD 0.00002; TOPMed 0.00002.
gnomAD v4.1: 16 of 1,613,954 alleles (0.00099%); highest among the groups gnomAD compares: African/African-American, 0.0027%; no homozygotes.

Submissions (5):

Labcorp Genetics (formerly Invitae), Labcorp
Classification: Likely benign. Last evaluated: 2026-01-21. Review status: criteria provided, single submitter. Criteria: Invitae Variant Classification Sherloc (09022015). Collection method: clinical testing. Allele origin: germline.

GeneDx
Classification: Likely benign. Last evaluated: 2020-10-21. Review status: criteria provided, single submitter. Criteria: GeneDx Variant Classification Process June 2021. Collection method: clinical testing. Allele origin: germline. Affected: yes.
Comment: Not observed at a significant frequency in large population cohorts (Lek et al., 2016)

Sema4
Classification: Likely benign for Hereditary cancer-predisposing syndrome. Last evaluated: 2020-08-18. Review status: criteria provided, single submitter. Criteria: Sema4 Curation Guidelines. Collection method: curation. Allele origin: germline.

Quest Diagnostics Nichols Institute San Juan Capistrano
Classification: Likely benign. Last evaluated: 2019-12-30. Review status: criteria provided, single submitter. Criteria: Quest Diagnostics criteria. Collection method: clinical testing. Allele origin: unknown.

Ambry Genetics
Classification: Likely benign for Hereditary cancer-predisposing syndrome. Last evaluated: 2016-01-14. Review status: criteria provided, single submitter. Criteria: Ambry Variant Classification Scheme 2023. Collection method: clinical testing. Allele origin: germline.

NM_006231.4(POLE):c.306G>A (p.Pro102=)

Gene: POLE (DNA polymerase epsilon, catalytic subunit; minus strand). Cytogenetic location: 12q24.33.
Variant type: single nucleotide variant.
Coding change: c.306G>A on transcript NM_006231.4 (MANE Select); coding-DNA position 306, G replaced by A.
Protein change: p.Pro102=; no amino-acid change (proline 102 retained).
Molecular consequence: synonymous variant.
Genome position (GRCh38, 1-based): chr12:132,680,202, C>T on the plus strand (G>A on the coding strand, the complement: POLE is on the minus strand). VCF-style: chr12-132680202-C-T. GRCh37 (hg19) VCF-style: chr12-133256788-C-T.
Identifiers: ClinVar variation 240458 (VCV000240458.20), dbSNP rs759888478, ClinGen allele CA6894366.